The following is an entry in ClinVar:

ClinVar aggregate classification (germline): Uncertain significance (1 of 4 stars; one submission).

Conditions:
Dyskeratosis congenita, autosomal dominant 2. Identifiers: MedGen C3151443, MONDO:0013521, OMIM 613989.
Idiopathic Pulmonary Fibrosis. Also called: Idiopathic fibrosing alveolitis, chronic form; idiopathic fibrosing alveolitis. Identifiers: Orphanet 2032, MedGen C1800706, MeSH D054990, MONDO:0800504.

Allele frequency attached by ClinVar (database versions not stated): gnomAD exomes below 0.00001.

Submission:

Labcorp Genetics (formerly Invitae), Labcorp
Classification: Uncertain significance for Dyskeratosis congenita, autosomal dominant 2; Idiopathic Pulmonary Fibrosis. Last evaluated: 2024-04-29. Review status: criteria provided, single submitter. Criteria: Invitae Variant Classification Sherloc (09022015). Collection method: clinical testing. Allele origin: germline.
Comment: This sequence change replaces arginine, which is basic and polar, with histidine, which is basic and polar, at codon 263 of the TERT protein (p.Arg263His). This variant is not present in population databases (gnomAD no frequency). This missense change has been observed in individual(s) with myelodysplastic syndrome (PMID: 34019641). ClinVar contains an entry for this variant (Variation ID: 1037069). Advanced modeling of protein sequence and biophysical properties (such as structural, functional, and spatial information, amino acid conservation, physicochemical variation, residue mobility, and thermodynamic stability) performed at Invitae indicates that this missense variant is not expected to disrupt TERT protein function with a negative predictive value of 95%. Experimental studies have shown that this missense change affects TERT function (PMID: 34019641). In summary, the available evidence is currently insufficient to determine the role of this variant in disease. Therefore, it has been classified as a Variant of Uncertain Significance.

Literature cited by the submitters: PubMed 34019641.

NM_198253.3(TERT):c.788G>A (p.Arg263His)

Gene: TERT (telomerase reverse transcriptase; minus strand). Cytogenetic location: 5p15.33.
Variant type: single nucleotide variant.
Coding change: c.788G>A on transcript NM_198253.3 (MANE Select); coding-DNA position 788, G replaced by A.
Protein change: p.Arg263His; replaces arginine 263 with histidine.
Molecular consequence: missense variant. On other transcripts: non-coding transcript variant (2).
Genome position (GRCh38, 1-based): chr5:1,294,098, C>T on the plus strand (G>A on the coding strand, the complement: TERT is on the minus strand). VCF-style: chr5-1294098-C-T. GRCh37 (hg19) VCF-style: chr5-1294213-C-T.
Other names: c.788G>A, p.Arg263His (NM_001193376.3); short protein forms R263H.
Identifiers: ClinVar variation 1037069 (VCV001037069.8), dbSNP rs1751204143, ClinGen allele CA359056804.
Genomic context (GRCh38, chr5:1,294,098, plus strand): 5'-GTGGCTTCTTCGGCGGGTCTGGCAGGTGACACCACACAGAAACCACGGTCACTCGGTCCA[C>T]GCGTCCTGCCCGGGTGGGCCCAGGACCCCTGCCCAACGGGCGTCCGCTCCGGCTCAGGGG-3'
Protein context (NP_937983.2, residues 253-273): QGSWAHPGRT[Arg263His]GPSDRGFCVV